The following is an entry in ClinVar:

NM_178161.3(PTF1A):c.343C>T (p.Pro115Ser)

Gene: PTF1A (pancreas associated transcription factor 1a; plus strand). Cytogenetic location: 10p12.2.
Variant type: single nucleotide variant.
Coding change: c.343C>T on transcript NM_178161.3 (MANE Select); coding-DNA position 343, C replaced by T.
Protein change: p.Pro115Ser; replaces proline 115 with serine.
Molecular consequence: missense variant.
Genome position (GRCh38, 1-based): chr10:23,192,873, C>T. VCF-style: chr10-23192873-C-T. GRCh37 (hg19) VCF-style: chr10-23481802-C-T.
Other names: short protein forms P115S.
Identifiers: ClinVar variation 917467 (VCV000917467.1), dbSNP rs1840910466, ClinGen allele CA376262431.

ClinVar aggregate classification (germline): Uncertain significance (1 of 4 stars; one submission).

Conditions:
Monogenic diabetes. Identifiers: Orphanet 183625, MedGen C3888631, MONDO:0015967.

gnomAD v4.1: 3 of 1,315,770 alleles (0.00023%); highest among the groups gnomAD compares: African/African-American, 0.0031%; no homozygotes.

Submission:

Personalized Diabetes Medicine Program, University of Maryland School of Medicine
Classification: Uncertain significance for Monogenic diabetes. Last evaluated: 2018-04-09. Review status: criteria provided, single submitter. Criteria: ACMG Guidelines, 2015. Collection method: research. Allele origin: unknown. Observed: 1 variant allele, 1 heterozygote.
Comment: ACMG criteria: PP3 (4 predictors), BP4 (7 predictors), PM2 (absent in databases), REVEL 0.202=VUS